The following is an entry in ClinVar:

ClinVar aggregate classification (germline): Benign. Review status: reviewed by expert panel (3 of 4 stars). 13 submissions from 13 submitters: Benign (1). 12 of the submissions do not count toward it. Last evaluated 2021-05-07.

Conditions:
Inborn genetic diseases. Identifiers: MedGen C0950123, MeSH D030342.
Mitochondrial disease. Also called: Mitochondrial disorders; Mitochondrial disorder. Identifiers: Orphanet 68380, MedGen C0751651, MeSH D028361, MONDO:0044970.
Progressive sclerosing poliodystrophy (MTDPS4A). Also called: NEURONAL DEGENERATION OF CHILDHOOD WITH LIVER DISEASE, PROGRESSIVE; Alpers-Huttenlocher Syndrome; ALPERS PROGRESSIVE INFANTILE POLIODYSTROPHY; Mitochondrial DNA Depletion Syndrome 4A; Alpers Syndrome; Alpers-Huttenlocher Syndrome (AHS). Identifiers: Orphanet 726, MedGen C0205710, MONDO:0008758, OMIM 203700.

Allele frequency attached by ClinVar (database versions not stated): 1000 Genomes Project 30x 0.00453; 1000 Genomes Project 0.00479; gnomAD 0.00542; ESP Exome Variant Server 0.00577; TOPMed 0.00580.

Submissions (13):

ClinGen Mitochondrial Disease Nuclear and Mitochondrial  Variant Curation Expert Panel, ClinGen
Classification: Benign for Mitochondrial disease. Last evaluated: 2021-05-07. Review status: reviewed by expert panel. Criteria: clingen mito disease acmg specifications v1-1. Collection method: curation. Allele origin: germline. Inheritance: Autosomal recessive inheritance.
Comment: The c.1637C>T (p.Arg546Cys) variant in POLG has been reported with an allele frequency in the African American population at 1.88% in gnomAD. (BA1). In summary, this variant meets criteria to be classified as benign for primary mitochondrial disease inherited in a recessive manner. ntDNA Mitochondrial ACMG-AMP Criteria for POLG applied: BA1.

Labcorp Genetics (formerly Invitae), Labcorp
Classification: Benign for Progressive sclerosing poliodystrophy. Last evaluated: 2026-02-04. Review status: criteria provided, single submitter. Criteria: Invitae Variant Classification Sherloc (09022015). Collection method: clinical testing. Allele origin: germline. Not counted in ClinVar's aggregate classification.

Women's Health and Genetics/Laboratory Corporation of America, LabCorp
Classification: Likely benign. Last evaluated: 2025-09-08. Review status: criteria provided, single submitter. Criteria: LabCorp Variant Classification Summary - May 2015. Collection method: clinical testing. Allele origin: germline. Not counted in ClinVar's aggregate classification.
Comment: Variant summary: POLG c.1636C>T (p.Arg546Cys) results in a non-conservative amino acid change in the encoded protein sequence. Algorithms developed to predict the effect of missense changes on protein structure and function all suggest that this variant is likely to be disruptive. The variant allele was found at a frequency of 0.0015 in 251354 control chromosomes, predominantly at a frequency of 0.019 within the African or African-American subpopulation in the gnomAD database, including 2 homozygotes. The observed variant frequency within African or African-American control individuals in the gnomAD database exceeds the estimated maximal expected allele frequency for disease-causing variants in POLG. To our knowledge, no occurrence of c.1636C>T in individuals affected with POLG-related conditions and no experimental evidence demonstrating its impact on protein function have been reported. ClinVar contains an entry for this variant (Variation ID: 21309). Based on the evidence outlined above, the variant was classified as likely benign.

Mayo Clinic Laboratories, Mayo Clinic
Classification: Benign. Last evaluated: 2024-12-13. Review status: criteria provided, single submitter. Criteria: ACMG Guidelines, 2015. Collection method: clinical testing. Allele origin: germline. Observed: 19 variant alleles. Not counted in ClinVar's aggregate classification.
Comment: BA1

Blueprint Genetics
Classification: Likely benign. Last evaluated: 2024-11-01. Review status: criteria provided, single submitter. Criteria: ACMG Guidelines, 2015. Collection method: clinical testing. Allele origin: germline. Not counted in ClinVar's aggregate classification.

ARUP Laboratories, Molecular Genetics and Genomics, ARUP Laboratories
Classification: Benign. Last evaluated: 2024-10-11. Review status: criteria provided, single submitter. Criteria: ARUP Molecular Germline Variant Investigation Process 2024. Collection method: clinical testing. Allele origin: germline. Not counted in ClinVar's aggregate classification.

Athena Diagnostics
Classification: Likely benign. Last evaluated: 2020-11-17. Review status: criteria provided, single submitter. Criteria: Athena Diagnostics criteria. Collection method: clinical testing. Allele origin: unknown. Not counted in ClinVar's aggregate classification.

GeneDx
Classification: Benign. Last evaluated: 2019-07-30. Review status: criteria provided, single submitter. Criteria: GeneDx Variant Classification Process June 2021. Collection method: clinical testing. Allele origin: germline. Affected: yes. Not counted in ClinVar's aggregate classification.

Wong Mito Lab, Molecular and Human Genetics, Baylor College of Medicine
Classification: Benign for Progressive sclerosing poliodystrophy. Last evaluated: 2018-10-01. Review status: criteria provided, single submitter. Criteria: ACMG Guidelines, 2015. Collection method: clinical testing. Allele origin: germline. Not counted in ClinVar's aggregate classification.
Comment: The NM_002693.2:c.1636C>T (NP_002684.1:p.Arg546Cys) [GRCH38: NC_000015.10:g.89326688G>A] variant in POLG gene is interpretated to be a Benign based on ACMG guidelines (PMID: 25741868). This variant has been reported in PMID:19629138 . This variant meets the following evidence codes reported in the ACMG-guideline. BS1:The minor allele frequency of this allele is high for Mitochondrial DNA depletion syndrome 4A (Alpers type). BS2:Observation of the variant in controls is inconsistent with penetrance of Mitochondrial DNA depletion syndrome 4A (Alpers type). BP4:Computational evidence/predictors indicate no impact on the POLG structure, function, or protein-protein interaction. Based on the evidence criteria codes applied, the variant is suggested to be Benign.

SIB Swiss Institute of Bioinformatics
Classification: Benign. Last evaluated: 2018-05-31. Review status: criteria provided, single submitter. Criteria: ACMG Guidelines, 2015. Collection method: curation. Allele origin: unknown. Not counted in ClinVar's aggregate classification.
Comment: This variant is interpreted as a Benign - Stand Alone. The following ACMG Tag(s) were applied: BA1 => Allele frequency is >1% in African population in Exome Sequencing Project, 1000 Genomes Project, or Exome Aggregation Consortium.

Ambry Genetics
Classification: Benign for Inborn genetic diseases. Last evaluated: 2017-06-22. Review status: criteria provided, single submitter. Criteria: Ambry Variant Classification Scheme 2023. Collection method: clinical testing. Allele origin: germline. Not counted in ClinVar's aggregate classification.

Breakthrough Genomics
Classification: Benign. Review status: criteria provided, single submitter. Criteria: ACMG Guidelines, 2015. Collection method: not provided. Allele origin: germline. Inheritance: Autosomal recessive inheritance. Affected: yes. Not counted in ClinVar's aggregate classification.

PreventionGenetics, part of Exact Sciences
Classification: Benign. Review status: criteria provided, single submitter. Criteria: ACMG Guidelines, 2015. Collection method: clinical testing. Allele origin: germline. Not counted in ClinVar's aggregate classification.

Literature cited by the submitters: PubMed 15913923 (cited by Mayo Clinic Laboratories, Mayo Clinic); PubMed 19629138 (cited by Wong Mito Lab, Molecular and Human Genetics, Baylor College of Medicine).

NM_002693.3(POLG):c.1636C>T (p.Arg546Cys)

Gene: POLG (DNA polymerase gamma, catalytic subunit; minus strand). Cytogenetic location: 15q26.1.
Variant type: single nucleotide variant.
Coding change: c.1636C>T on transcript NM_002693.3 (MANE Select); coding-DNA position 1636, C replaced by T.
Protein change: p.Arg546Cys; replaces arginine 546 with cysteine.
Molecular consequence: missense variant.
Genome position (GRCh38, 1-based): chr15:89,326,688, G>A on the plus strand (C>T on the coding strand, the complement: POLG is on the minus strand). VCF-style: chr15-89326688-G-A. GRCh37 (hg19) VCF-style: chr15-89869919-G-A.
Other names: p.R546C:CGC>TGC; NM_001126131.1(POLG):c.1636C>T(p.Arg546Cys); NM_002693.2(POLG):c.1636C>T(p.Arg546Cys); NM_002693.2(POLG):c.1636C>T; c.1636C>T, p.Arg546Cys (NM_001126131.2); short protein forms R546C.
Identifiers: ClinVar variation 21309 (VCV000021309.64), dbSNP rs2307447, ClinGen allele CA292876.